The following is an entry in ClinVar:

NM_000390.4(CHM):c.866_867dup (p.Val290fs)

Gene: CHM (CHM Rab escort protein; minus strand). Cytogenetic location: Xq21.2.
Variant type: Duplication.
Coding change: c.866_867dup on transcript NM_000390.4 (MANE Select); coding-DNA positions 866 to 867, 2 bases duplicated (TG; older notation c.866_867dupTG).
Protein change: p.Val290fs; shifts the reading frame from valine 290.
Molecular consequence: frameshift variant.
Genome position (GRCh38, 1-based): chrX:85,957,928-85,957,929, CA duplicated on the plus strand (TG on the coding strand, the reverse complement: CHM is on the minus strand). VCF-style (leftmost placement, unchanged base first): chrX-85957927-C-CCA. GRCh37 (hg19) VCF-style: chrX-85212932-C-CCA.
Other names: c.866_867dupTG (NM_000390.2); c.866_867dup (LRG_699t1); c.422_423dup, p.Val142fs (NM_001320959.1, NM_001362517.1, NM_001362518.2 and 1 more transcripts); short protein forms V290fs, V142fs.
Identifiers: ClinVar variation 432763 (VCV000432763.1), dbSNP rs1556307648, ClinGen allele CA645372688.
Genomic context (GRCh38, chrX:85,957,927, plus strand): 5'-CAGGATATTTCTCATATTCCATACAAAATGTAAGAAATTTCATTAGCATTCGCTTTTCTA[C>CCA]CATAGTAAGTTGTTTGCTATTAAAGACATCTGCTCTGGAACACGGAACCTGAAAAATATT-3'

ClinVar aggregate classification (germline): Pathogenic (1 of 4 stars; one submission).

Submission:

GeneDx
Classification: Pathogenic. Last evaluated: 2017-06-06. Review status: criteria provided, single submitter. Criteria: GeneDx Variant Classification (06012015). Collection method: clinical testing. Allele origin: germline. Affected: yes.
Comment: The c.866_867dupTG variant in the CHM gene has not been reported previously as a pathogenic variant nor as a benign variant, to our knowledge. The c.866_867dupTG variant causes a frameshift starting with codon Valine 290, changes this amino acid to a Tryptophan residue, and creates a premature Stop codon at position 2 of the new reading frame, denoted p.Val290TrpfsX2. This variant is predicted to cause loss of normal protein function either through protein truncation or nonsense-mediated mRNA decay. The c.866_867dupTG variant is not observed in large population cohorts (Lek et al., 2016; 1000 Genomes Consortium et al., 2015; Exome Variant Server). We interpret c.866_867dupTG as a pathogenic variant.